The following is an entry in ClinVar:

NM_001042492.3(NF1):c.4975C>G (p.Leu1659Val)

Gene: NF1 (neurofibromin 1; plus strand). Cytogenetic location: 17q11.2.
Variant type: single nucleotide variant.
Coding change: c.4975C>G on transcript NM_001042492.3 (MANE Select); coding-DNA position 4975, C replaced by G.
Protein change: p.Leu1659Val; replaces leucine 1659 with valine.
Molecular consequence: missense variant.
Genome position (GRCh38, 1-based): chr17:31,325,959, C>G. VCF-style: chr17-31325959-C-G. GRCh37 (hg19) VCF-style: chr17-29652977-C-G.
Other names: c.4912C>G, p.Leu1638Val (NM_000267.4); short protein forms L1638V, L1659V.
Identifiers: ClinVar variation 187405 (VCV000187405.3), dbSNP rs786203709, ClinGen allele CA197563.

ClinVar aggregate classification (germline): Uncertain significance (1 of 4 stars; one submission).

Conditions:
Hereditary cancer-predisposing syndrome. Also called: Neoplastic Syndromes, Hereditary; Tumor predisposition; Hereditary Cancer Syndrome; Hereditary neoplastic syndrome. Identifiers: Orphanet 140162, MedGen C0027672, MeSH D009386, MONDO:0015356.

Submission:

Ambry Genetics
Classification: Uncertain significance for Hereditary cancer-predisposing syndrome. Last evaluated: 2014-12-12. Review status: criteria provided, single submitter. Criteria: Ambry Autosomal Dominant and X-Linked criteria (10/2015). Collection method: clinical testing. Allele origin: germline. Observed: 1 variant allele.
Comment: The p.L1659V variant (also known as c.4975C>G), located in coding exon 37 of the NF1 gene, results from a C to G substitution at nucleotide position 4975. The leucine at codon 1659 is replaced by valine, an amino acid with highly similar properties. This variant was not reported in population based cohorts in the following databases: Database of Single Nucleotide Polymorphisms (dbSNP), NHLBI Exome Sequencing Project (ESP), and 1000 Genomes Project. In the ESP, this variant was not observed in 6503 samples (13006 alleles) with coverage at this position. To date, this alteration has been detected with an allele frequency of approximately 0.003% (greater than 30000 alleles tested) in our clinical cohort. This amino acid position is highly conserved in available vertebrate species. In addition, this alteration is predicted to be possibly damaging and deleterious by PolyPhen and SIFT in silico analyses, respectively. Since supporting evidence is limited at this time, the clinical significance of p.L1659V remains unclear.